The following is an entry in ClinVar:

NM_014915.3(ANKRD26):c.2053G>A (p.Asp685Asn)

Gene: ANKRD26 (ankyrin repeat domain 26; minus strand). Cytogenetic location: 10p12.1.
Variant type: single nucleotide variant.
Coding change: c.2053G>A on transcript NM_014915.3 (MANE Select); coding-DNA position 2053, G replaced by A.
Protein change: p.Asp685Asn; replaces aspartic acid 685 with asparagine.
Molecular consequence: missense variant.
Genome position (GRCh38, 1-based): chr10:27,043,534, C>T on the plus strand (G>A on the coding strand, the complement: ANKRD26 is on the minus strand). VCF-style: chr10-27043534-C-T. GRCh37 (hg19) VCF-style: chr10-27332463-C-T.
Other names: p.Asp685Asn; c.2050G>A, p.Asp684Asn (NM_001256053.2); short protein forms D684N, D685N.
Identifiers: ClinVar variation 2444878 (VCV002444878.11), dbSNP rs368408857, ClinGen allele CA5448309.

ClinVar aggregate classification (germline): Conflicting classifications of pathogenicity. Review status: criteria provided, conflicting classifications (1 of 4 stars). 7 submissions from 7 submitters: Uncertain significance (4); Likely benign (2). 1 of the submissions does not count toward it. Last evaluated 2025-12-01.

Conditions:
Inborn genetic diseases. Identifiers: MedGen C0950123, MeSH D030342.
ANKRD26-related disorder. Also called: ANKRD26-related condition.
Thrombocytopenia 2 (THC2). Also called: ANKRD26-Related Thrombocytopenia. Identifiers: Orphanet 268322, MedGen C1861185, MONDO:0008555, OMIM 188000.

Allele frequency attached by ClinVar (database versions not stated): gnomAD exomes 0.00001; ExAC 0.00006; gnomAD 0.00017; TOPMed 0.00017; ESP Exome Variant Server 0.00025; 1000 Genomes Project 30x 0.00047; 1000 Genomes Project 0.00060.
gnomAD v4.1: 46 of 1,613,854 alleles (0.0029%); highest among the groups gnomAD compares: African/African-American, 0.049%; no homozygotes.

Submissions (7):

Labcorp Genetics (formerly Invitae), Labcorp
Classification: Uncertain significance. Last evaluated: 2025-12-01. Review status: criteria provided, single submitter. Criteria: Invitae Variant Classification Sherloc (09022015). Collection method: clinical testing. Allele origin: germline.
Comment: This sequence change replaces aspartic acid, which is acidic and polar, with asparagine, which is neutral and polar, at codon 685 of the ANKRD26 protein (p.Asp685Asn). This variant is present in population databases (rs368408857, gnomAD 0.06%), and has an allele count higher than expected for a pathogenic variant. This variant has not been reported in the literature in individuals affected with ANKRD26-related conditions. ClinVar contains an entry for this variant (Variation ID: 2444878). An algorithm developed to predict the effect of missense changes on protein structure and function (PolyPhen-2) suggests that this variant is likely to be disruptive. In summary, the available evidence is currently insufficient to determine the role of this variant in disease. Therefore, it has been classified as a Variant of Uncertain Significance.

Ambry Genetics
Classification: Uncertain significance for Inborn genetic diseases. Last evaluated: 2025-10-15. Review status: criteria provided, single submitter. Criteria: Ambry Variant Classification Scheme 2023. Collection method: clinical testing. Allele origin: germline.

Mayo Clinic Laboratories, Mayo Clinic
Classification: Likely benign. Last evaluated: 2025-04-08. Review status: criteria provided, single submitter. Criteria: ACMG Guidelines, 2015. Collection method: clinical testing. Allele origin: germline. Observed: 1 variant allele.
Comment: BS1, BP4_moderate

GeneDx
Classification: Uncertain significance. Last evaluated: 2025-02-20. Review status: criteria provided, single submitter. Criteria: GeneDx Variant Classification Process June 2021. Collection method: clinical testing. Allele origin: germline.
Comment: In silico analysis supports that this missense variant has a deleterious effect on protein structure/function; Has not been previously published as pathogenic or benign to our knowledge

St. Jude Molecular Pathology, St. Jude Children's Research Hospital
Classification: Uncertain significance for Thrombocytopenia 2. Last evaluated: 2023-02-27. Review status: criteria provided, single submitter. Criteria: St. Jude Assertion Criteria 2020. Collection method: clinical testing. Allele origin: germline.
Comment: The ANKRD26 c.2053G>A (p.Asp685Asn) missense change has a maximum subpopulation frequency of 0.070% in gnomAD v2.1.1. This variant is not located in the 5' UTR. The in silico tool REVEL predicts a benign effect on protein function, but to our knowledge this prediction has not been confirmed by functional studies. To our knowledge, this variant has not been reported in individuals with thrombocytopenia and/or myeloid malignancies. In summary, the evidence currently available is insufficient to determine the clinical significance of this variant. It has therefore been classified as of uncertain significance.

Blueprint Genetics
Classification: Likely benign. Last evaluated: 2022-07-17. Review status: criteria provided, single submitter. Criteria: ACMG Guidelines, 2015. Collection method: clinical testing. Allele origin: germline.

PreventionGenetics, part of Exact Sciences
Classification: Likely benign for ANKRD26-related condition. Last evaluated: 2022-04-18. Review status: no assertion criteria provided. Collection method: clinical testing. Allele origin: germline. Not counted in ClinVar's aggregate classification.
Comment: This variant is classified as likely benign based on ACMG/AMP sequence variant interpretation guidelines (Richards et al. 2015 PMID: 25741868, with internal and published modifications).